The following is an entry in ClinVar:

NM_001113491.2(SEPTIN9):c.128C>A (p.Pro43Gln)

Gene: SEPTIN9 (septin 9; plus strand). Cytogenetic location: 17q25.3.
Variant type: single nucleotide variant.
Coding change: c.128C>A on transcript NM_001113491.2 (MANE Select); coding-DNA position 128, C replaced by A.
Protein change: p.Pro43Gln; replaces proline 43 with glutamine.
Molecular consequence: missense variant. On other transcripts: 5 prime UTR variant (2).
Genome position (GRCh38, 1-based): chr17:77,402,110, C>A. VCF-style: chr17-77402110-C-A. GRCh37 (hg19) VCF-style: chr17-75398192-C-A.
Other names: c.-365C>A (NM_001113492.2, NM_001113494.1); c.107C>A, p.Pro36Gln (NM_001113493.2); c.71C>A, p.Pro24Gln (NM_001293695.2); c.74C>A, p.Pro25Gln (NM_006640.5); c.74C>A (NM_006640.4); short protein forms P24Q, P43Q, P25Q, P36Q.
Identifiers: ClinVar variation 3682994 (VCV003682994.3).

ClinVar aggregate classification (germline): Uncertain significance. Review status: criteria provided, multiple submitters, no conflicts (2 of 4 stars). 2 submissions from 2 submitters: Uncertain significance (2). Last evaluated 2025-03-01.

Conditions:
Inborn genetic diseases. Identifiers: MedGen C0950123, MeSH D030342.

gnomAD v4.1: 9 of 1,613,844 alleles (0.00056%); highest among the groups gnomAD compares: East Asian, 0.018%; no homozygotes.

Submissions (2):

Ambry Genetics
Classification: Uncertain significance for Inborn genetic diseases. Last evaluated: 2025-03-01. Review status: criteria provided, single submitter. Criteria: Ambry Variant Classification Scheme 2023. Collection method: clinical testing. Allele origin: germline.

Labcorp Genetics (formerly Invitae), Labcorp
Classification: Uncertain significance. Last evaluated: 2024-05-28. Review status: criteria provided, single submitter. Criteria: Invitae Variant Classification Sherloc (09022015). Collection method: clinical testing. Allele origin: germline.
Comment: This sequence change replaces proline, which is neutral and non-polar, with glutamine, which is neutral and polar, at codon 25 of the SEPT9 protein (p.Pro25Gln). This variant is present in population databases (rs780472921, gnomAD 0.03%). This variant has not been reported in the literature in individuals affected with SEPT9-related conditions. Advanced modeling of protein sequence and biophysical properties (such as structural, functional, and spatial information, amino acid conservation, physicochemical variation, residue mobility, and thermodynamic stability) performed at Invitae indicates that this missense variant is not expected to disrupt SEPT9 protein function with a negative predictive value of 80%. In summary, the available evidence is currently insufficient to determine the role of this variant in disease. Therefore, it has been classified as a Variant of Uncertain Significance.